The following is an entry in ClinVar:

NM_170606.3(KMT2C):c.12935C>G (p.Ala4312Gly)

Gene: KMT2C (lysine methyltransferase 2C; minus strand). Cytogenetic location: 7q36.1.
Variant type: single nucleotide variant.
Coding change: c.12935C>G on transcript NM_170606.3 (MANE Select); coding-DNA position 12935, C replaced by G.
Protein change: p.Ala4312Gly; replaces alanine 4312 with glycine.
Molecular consequence: missense variant.
Genome position (GRCh38, 1-based): chr7:152,148,992, G>C on the plus strand (C>G on the coding strand, the complement: KMT2C is on the minus strand). VCF-style: chr7-152148992-G-C. GRCh37 (hg19) VCF-style: chr7-151846077-G-C.
Other names: c.12935C>G (NM_170606.2); short protein forms A4312G.
Identifiers: ClinVar variation 3375133 (VCV003375133.2).
Genomic context (GRCh38, chr7:152,148,992, plus strand): 5'-TTCAGCTTGACTGTCACCTTCAGCTCATCTGGCTTGGCCTCGACTTGGGCTGCTTCAAAA[G>C]CAGGAGGGAAGGCGATGGGTGGTGAGGCAGGGGGAGAAGCTTTCTCTGGGAGCTGGGGGA-3'
Protein context (NP_733751.2, residues 4302-4322): PASPPIAFPP[Ala4312Gly]FEAAQVEAKP

ClinVar aggregate classification (germline): Uncertain significance. Review status: criteria provided, multiple submitters, no conflicts (2 of 4 stars). 2 submissions from 2 submitters: Uncertain significance (2). Last evaluated 2025-04-02.

Submissions (2):

GeneDx
Classification: Uncertain significance. Last evaluated: 2025-04-02. Review status: criteria provided, single submitter. Criteria: GeneDx Variant Classification Process June 2021. Collection method: clinical testing. Allele origin: germline. Affected: yes.
Comment: Not observed at significant frequency in large population cohorts (gnomAD); In silico analysis supports that this missense variant has a deleterious effect on protein structure/function; Has not been previously published as pathogenic or benign to our knowledge

Women's Health and Genetics/Laboratory Corporation of America, LabCorp
Classification: Uncertain significance. Last evaluated: 2024-09-03. Review status: criteria provided, single submitter. Criteria: LabCorp Variant Classification Summary - May 2015. Collection method: clinical testing. Allele origin: germline.
Comment: Variant summary: KMT2C c.12935C>G (p.Ala4312Gly) results in a non-conservative amino acid change in the encoded protein sequence. Three of four in-silico tools predict a damaging effect of the variant on protein function. The variant was absent in 210258 control chromosomes (gnomAD). The available data on variant occurrences in the general population are insufficient to allow any conclusion about variant significance. To our knowledge, no occurrence of c.12935C>G in individuals affected with Kleefstra Syndrome 2 and no experimental evidence demonstrating its impact on protein function have been reported. No submitters have cited clinical-significance assessments for this variant to ClinVar. Based on the evidence outlined above, the variant was classified as uncertain significance.